The following is an entry in ClinVar:

NM_000552.5(VWF):c.4135C>T (p.Arg1379Cys)

Gene: VWF (von Willebrand factor; minus strand). Cytogenetic location: 12p13.31.
Variant type: single nucleotide variant.
Coding change: c.4135C>T on transcript NM_000552.5 (MANE Select); coding-DNA position 4135, C replaced by T.
Protein change: p.Arg1379Cys; replaces arginine 1379 with cysteine.
Molecular consequence: missense variant.
Genome position (GRCh38, 1-based): chr12:6,019,283, G>A on the plus strand (C>T on the coding strand, the complement: VWF is on the minus strand). VCF-style: chr12-6019283-G-A. GRCh37 (hg19) VCF-style: chr12-6128449-G-A.
Other names: p.R1379C; p.Arg1379Cys; NM_000552.5(VWF):c.4135C>T; c.4135C>T (NM_000552.4); short protein forms R1379C.
Identifiers: ClinVar variation 100333 (VCV000100333.49), dbSNP rs61750074, ClinGen allele CA228547.

ClinVar aggregate classification (germline): Uncertain significance. Review status: reviewed by expert panel (3 of 4 stars). 14 submissions from 14 submitters: Uncertain significance (1). 13 of the submissions do not count toward it. Last evaluated 2025-10-07.

Conditions:
VWF-related disorder. Also called: VWF-related condition; VWF-related disorders.
von Willebrand disease type 2 (VWD2). Also called: VON WILLEBRAND DISEASE, TYPE II; VWD, TYPE 2; VON WILLEBRAND DISEASE, TYPE 2A/IIE; VON WILLEBRAND DISEASE, TYPE 2CB. Identifiers: Orphanet 166081, Orphanet 903, MedGen C1264040, MONDO:0013304, OMIM 613554.
Hereditary von Willebrand disease. Identifiers: Orphanet 903, MedGen C5703318, MONDO:0019565. Inheritance: Autosomal recessive or Autosomal dominant.
von Willebrand disease type 1 (VWD1). Also called: VON WILLEBRAND DISEASE, TYPE I; VWD, TYPE 1. Identifiers: Orphanet 166078, Orphanet 903, MedGen C1264039, MONDO:0008668, OMIM 193400. Inheritance: autosomal recessive or autosomal dominant.

Allele frequency attached by ClinVar (database versions not stated): gnomAD 0.00001; gnomAD exomes 0.00002 and 0.00003; TOPMed 0.00002; ExAC 0.00004.
gnomAD v4.1: 41 of 1,613,910 alleles (0.0025%); highest among the groups gnomAD compares: South Asian, 0.0033%; no homozygotes.

Submissions 1 to 10 of 14:

ClinGen von Willebrand Disease Variant Curation Expert Panel, ClinGen
Classification: Uncertain significance for Hereditary von Willebrand disease. Last evaluated: 2025-10-07. Review status: reviewed by expert panel. Criteria: ClinGen VWD 2A B M Rules. Collection method: curation. Allele origin: germline. Inheritance: Autosomal dominant inheritance.
Comment: The NM_000552.5:c.4135C>T variant in VWF is a missense variant predicted to cause substitution of arginine by cysteine at amino acid 1379 (p.Arg1379Cys). Some patients harbor this variant as part of a gene conversion event, being found alongside: p.Ile1343Val, Val1360Ala, Phe1369Ile, Ser1378Phe, Arg1379Cys (PMID: 37732159). This variant has been observed in at least 6 patients with an alternate molecular basis for disease. The patients also harbor the p.Phe1369Ile variant which has been classified pathogenic for VWD type 2M by the VWD VCEP (BP5; PMID 35452508). The gnomAD v4.1 Grpmax filtering allele frequency in gnomAD v4.1 is 0.00002154 (based on 35/1179840 alleles in the European non-Finnish population), which is lower than the ClinGen VWD VCEP threshold of <0.0001 (PM2_Supporting). The computational predictor REVEL gives a score of 0.731, which is above the ClinGen VWD VCEP threshold of >0.644 and predicts a damaging effect on VWF function (PP3). There are assertions of this variant being associated with VWD types 1, 2M, and 2B. The majority of evidence indicates that when ristocetin induced aggregation is measured, this variant has a type 2B phenotype. It should be noted however that all of the scored cases in this curation had normal multimers, which is not typically associated with VWD type 2B. Further complicating interpretation, many cases were compound heterozygotes for additional variants in VWF or carried gene conversion related variants. Lastly, there are reports that patients carrying this variant do not experience thrombocytopenia after DDAVP treatment which would be typical of a VWD type 2B variant (PMID 27353798). In summary, this variant meets the criteria to be classified as a variant of uncertain significance for autosomal dominant hereditary von Willebrand disease based on the ACMG/AMP criteria applied, as specified by the ClinGen VWD VCEP: PM2_Supporting, PP3, BP5. (ClinGen von Willebrand Disease Expert Panel Specifications to the ACMG/AMP Variant Interpretation Guidelines for VWF Version 1.0.0)

GeneDx
Classification: Pathogenic. Last evaluated: 2025-09-08. Review status: criteria provided, single submitter. Criteria: GeneDx Variant Classification Process June 2021. Collection method: clinical testing. Allele origin: germline. Affected: yes. Not counted in ClinVar's aggregate classification.
Comment: Functional studies show R1379C enhances binding capacity to the glycoprotein Ib-alpha (PMID: 27785872); In silico analysis supports that this missense variant has a deleterious effect on protein structure/function; This variant is associated with the following publications: (PMID: 20305138, 19630772, 16783784, 26986123, 23775583, 19453940, 26456374, 27532107, 18230755, 16985174, 19277422, 27353798, 21534937, 19506353, 31589614, 31939074, 11325649, 27785872)

Mayo Clinic Laboratories, Mayo Clinic
Classification: Pathogenic. Last evaluated: 2025-01-08. Review status: criteria provided, single submitter. Criteria: ACMG Guidelines, 2015. Collection method: clinical testing. Allele origin: germline. Observed: 2 variant alleles. Not counted in ClinVar's aggregate classification.
Comment: PP1_strong, PP3, PP5, PM2_supporting, PM3, PS3_moderate, PS4_moderate

Dubai Health Genomic Medicine Center, Dubai Health
Classification: Pathogenic for von Willebrand disease. Last evaluated: 2024-10-04. Review status: criteria provided, single submitter. Criteria: ACMG Guidelines, 2015. Collection method: research. Allele origin: germline. Affected: yes. Not counted in ClinVar's aggregate classification.
Comment: PS3,PM3(strong),PM2,PP1

Women's Health and Genetics/Laboratory Corporation of America, LabCorp
Classification: Pathogenic for von Willebrand disorder. Last evaluated: 2022-08-04. Review status: criteria provided, single submitter. Criteria: LabCorp Variant Classification Summary - May 2015. Collection method: clinical testing. Allele origin: germline. Not counted in ClinVar's aggregate classification.
Comment: Variant summary: VWF c.4135C>T (p.Arg1379Cys) results in a non-conservative amino acid change located in the first type A domain (IPR002035) of the encoded protein sequence. Three of four in-silico tools predict a damaging effect of the variant on protein function. The variant allele was found at a frequency of 2e-05 in 250330 control chromosomes (gnomAD). c.4135C>T has been reported in the literature in heterozygous state in multiple individuals affected with Von Willebrand Disease (VWD) type 1 and type 2B (e.g. Pagliari_2016, Casana_2001, Veyradier_2016, Casonato_2017), and in one of these reports the variant showed segregation with the phenotype in a large family (Casana_2001). The variant was also reported in cis (i.e. as a complex allele) with the variant c.4130C>T (p.Ala1377Val) in 4 unrelated patients with type 2M VWD (Pagliari_2016). This publication also reported experimental evidence evaluating an impact on protein function, and demonstrated that the variant Arg1379Cys resulted in an increased glycoprotein Ib-alpha (GP1BA) binding, however, when it was expressed in cis (as a complex allele) with Ala1377Val, it abolished GP1BA binding, resulting in type 2M VWD phenotype (Pagliari_2016). Five clinical diagnostic laboratories have submitted clinical-significance assessments for this variant to ClinVar after 2014, partly without evidence for independent evaluation, and all laboratories classified the variant as pathogenic (n=4) / likely pathogenic (n=1). Based on the evidence outlined above, the variant was classified as pathogenic.

CeGaT Center for Human Genetics Tuebingen
Classification: Pathogenic. Last evaluated: 2022-06-01. Review status: criteria provided, single submitter. Criteria: CeGaT Center For Human Genetics Tuebingen Variant Classification Criteria Version 2. Collection method: clinical testing. Allele origin: germline. Affected: yes. Observed: 1 variant allele. Not counted in ClinVar's aggregate classification.
Comment: VWF: PS3, PS4, PM2, PP1

Genetics and Molecular Pathology, SA Pathology
Classification: Likely pathogenic for von Willebrand disease type 2. Last evaluated: 2021-07-14. Review status: criteria provided, single submitter. Criteria: ACMG Guidelines, 2015. Collection method: clinical testing. Allele origin: germline. Affected: yes. Not counted in ClinVar's aggregate classification.

Laboratory of Hematology, Radboud University Medical Center
Classification: Pathogenic for von Willebrand disease type 1. Last evaluated: 2020-12-10. Review status: criteria provided, single submitter. Criteria: ACMG Guidelines, 2015. Collection method: research. Allele origin: germline. Affected: yes. Observed: 1 variant allele. Study: WIN study. Not counted in ClinVar's aggregate classification.

Illumina Laboratory Services, Illumina
Classification: Pathogenic for von Willebrand disorder. Last evaluated: 2018-10-23. Review status: criteria provided, single submitter. Criteria: ICSL Variant Classification Criteria 09 May 2019. Collection method: clinical testing. Allele origin: germline. Not counted in ClinVar's aggregate classification.
Comment: The VWD c.4135C>T (p.Arg1379Cys) missense variant has been reported in at least five studies in which is found in at least 19 individuals with von Willebrand disease (VWD) including in four in a compound heterozygous state, and in 15 in a heterozygous state (six of which are related) (Casana et al. 2001; Goodeve et al. 2007; Casonato et al. 2010; Johansson et al. 2011; Casonato et al. 2015). The p.Arg1379Cys variant was shown to segregate with disease in a clear autosomal dominant pattern in one family with unclassified VWD and a phenotype of mild bleeding by its presence in six affected individuals and absence from three unaffected individuals (Casana et al. 2001). At least seven of the unrelated heterozygotes had an atypical form of VWD type 2B (Casonato et al. 2010; Casonato et al. 2015). Three of the compound heterozygotes presented with VWD type 1 and all carried a different missense variant on the second allele (Johansson et al. 2011). The p.Arg1379Cys variant was absent from 187 controls (Johansson et al. 2011) and is reported at a frequency of 0.00006 in the European (non-Finnish) population of the Exome Aggregation Consortium. The Arg1379 residue is conserved. Based on the evidence, the p.Arg1379Cys variant is classified as pathogenic for von Willebrand disease. This variant was observed by ICSL as part of a predisposition screen in an ostensibly healthy population.

ISTH-SSC Genomics in Thrombosis and Hemostasis, KU Leuven, Center for Molecular and Vascular Biology
Classification: Pathogenic for von Willebrand disease type 1. Review status: criteria provided, single submitter. Criteria: ACMG Guidelines, 2015. Collection method: clinical testing. Allele origin: germline. Affected: yes. Observed: 1 heterozygote. Not counted in ClinVar's aggregate classification.
Comment: Submitted to the GoldVariant database by Kathleen Freson, Center for Molecular and Vascular Biology